The following is an entry in ClinVar:

NM_015047.3(EMC1):c.2141G>T (p.Arg714Leu)

Genes: EMC1 (ER membrane protein complex subunit 1; minus strand), EMC1-AS1 (EMC1 antisense RNA 1; plus strand). Cytogenetic location: 1p36.13.
Variant type: single nucleotide variant.
Coding change: c.2141G>T on transcript NM_015047.3 (MANE Select); coding-DNA position 2141, G replaced by T.
Protein change: p.Arg714Leu; replaces arginine 714 with leucine.
Molecular consequence: missense variant.
Genome position (GRCh38, 1-based): chr1:19,227,374, C>A on the plus strand (G>T on the coding strand, the complement: EMC1 is on the minus strand). VCF-style: chr1-19227374-C-A. GRCh37 (hg19) VCF-style: chr1-19553868-C-A.
Other names: c.2138G>T, p.Arg713Leu (NM_001271427.2, NM_001271428.2); c.2075G>T, p.Arg692Leu (NM_001271429.2); c.2150G>T, p.Arg717Leu (NM_001375820.1); c.2147G>T, p.Arg716Leu (NM_001375821.1); short protein forms R692L, R713L, R714L, R716L, R717L.
Identifiers: ClinVar variation 1006444 (VCV001006444.8), dbSNP rs896315803, ClinGen allele CA338756775.
Genomic context (GRCh38, chr1:19,227,374, plus strand): 5'-TTGTAGAGCACACTGCGGTCCCCCATCACACGGCCCTGGGAATGAACGTGCTCACTGCTG[C>A]GTTTCCCCTTCACCTTGACGATCCGCTGTACTTCTGGGGGAATGGTCAGCTCCCAACTCA-3'
Protein context (NP_055862.1, residues 704-724): VQRIVKVKGK[Arg714Leu]SSEHVHSQGR

ClinVar aggregate classification (germline): Uncertain significance (1 of 4 stars; one submission).

Allele frequency attached by ClinVar (database versions not stated): gnomAD 0.00001; TOPMed 0.00003.
gnomAD v4.1: 2 of 1,614,082 alleles (0.00012%); highest among the groups gnomAD compares: African/African-American, 0.0027%; no homozygotes.

Submission:

Labcorp Genetics (formerly Invitae), Labcorp
Classification: Uncertain significance. Last evaluated: 2022-08-09. Review status: criteria provided, single submitter. Criteria: Invitae Variant Classification Sherloc (09022015). Collection method: clinical testing. Allele origin: germline.
Comment: In summary, the available evidence is currently insufficient to determine the role of this variant in disease. Therefore, it has been classified as a Variant of Uncertain Significance. Algorithms developed to predict the effect of missense changes on protein structure and function are either unavailable or do not agree on the potential impact of this missense change (SIFT: "Deleterious"; PolyPhen-2: "Possibly Damaging"; Align-GVGD: "Class C15"). ClinVar contains an entry for this variant (Variation ID: 1006444). This variant has not been reported in the literature in individuals affected with EMC1-related conditions. This variant is not present in population databases (gnomAD no frequency). This sequence change replaces arginine, which is basic and polar, with leucine, which is neutral and non-polar, at codon 714 of the EMC1 protein (p.Arg714Leu).